The following is an entry in ClinVar:

NM_001128178.3(NPHP1):c.64C>T (p.Gln22Ter)

Gene: NPHP1 (nephrocystin 1; minus strand). Cytogenetic location: 2q13.
Variant type: single nucleotide variant.
Coding change: c.64C>T on transcript NM_001128178.3 (MANE Select); coding-DNA position 64, C replaced by T.
Protein change: p.Gln22Ter; replaces glutamine 22 with a stop codon.
Molecular consequence: nonsense.
Genome position (GRCh38, 1-based): chr2:110,204,905, G>A on the plus strand (C>T on the coding strand, the complement: NPHP1 is on the minus strand). VCF-style: chr2-110204905-G-A. GRCh37 (hg19) VCF-style: chr2-110962482-G-A.
Other names: c.64C>T, p.Gln22Ter (NM_001374256.1, NM_001374257.1, NM_207181.4 and 2 more transcripts); short protein forms Q22*.
Identifiers: ClinVar variation 2037917 (VCV002037917.4), dbSNP rs2467621338, ClinGen allele CA348094247.

ClinVar aggregate classification (germline): Pathogenic (1 of 4 stars; one submission).

Conditions:
Nephronophthisis. Also called: Juvenile Nephronophthisis. Identifiers: Orphanet 655, MedGen C0687120, MONDO:0019005, HP:0000090.

Submission:

Labcorp Genetics (formerly Invitae), Labcorp
Classification: Pathogenic for Nephronophthisis. Last evaluated: 2022-07-12. Review status: criteria provided, single submitter. Criteria: Invitae Variant Classification Sherloc (09022015). Collection method: clinical testing. Allele origin: germline.
Comment: For these reasons, this variant has been classified as Pathogenic. Algorithms developed to predict the effect of sequence changes on RNA splicing suggest that this variant may create or strengthen a splice site. This variant has not been reported in the literature in individuals affected with NPHP1-related conditions. This variant is not present in population databases (gnomAD no frequency). This sequence change creates a premature translational stop signal (p.Gln22*) in the NPHP1 gene. It is expected to result in an absent or disrupted protein product. Loss-of-function variants in NPHP1 are known to be pathogenic (PMID: 23559409).

Literature cited by the submitters: PubMed 23559409.